The following is an entry in ClinVar:

ClinVar aggregate classification (germline): Conflicting classifications of pathogenicity. Review status: criteria provided, conflicting classifications (1 of 4 stars). 2 submissions from 2 submitters: Uncertain significance (1); Benign (1). Last evaluated 2026-07-29.

Conditions:
Kabuki syndrome. Also called: Kabuki make-up syndrome; NIIKAWA-KUROKI SYNDROME. Identifiers: Orphanet 2322, MedGen C0796004, MONDO:0016512.
Inborn genetic diseases. Identifiers: MedGen C0950123, MeSH D030342.

Allele frequency attached by ClinVar (database versions not stated): gnomAD 0.00001.
gnomAD v4.1: 2 of 1,613,472 alleles (0.00012%); highest among the groups gnomAD compares: South Asian, 0.0011%; no homozygotes.

Submissions (2):

Ambry Genetics
Classification: Uncertain significance for Inborn genetic diseases. Last evaluated: 2026-07-29. Review status: criteria provided, single submitter. Criteria: Ambry Variant Classification Scheme 2023. Collection method: clinical testing. Allele origin: germline.
Comment: The c.13390C>G (p.Q4464E) alteration is located in exon 39 (coding exon 39) of the KMT2D gene. This alteration results from a C to G substitution at nucleotide position 13390, causing the glutamine (Q) at amino acid position 4464 to be replaced by a glutamic acid (E). Based on data from gnomAD, the G allele has an overall frequency of <0.001% (1/248996) total alleles studied. The highest observed frequency was 0.003% (1/30602) of South Asian alleles. Based on insufficient or conflicting evidence, the clinical significance of this alteration remains unclear.

Labcorp Genetics (formerly Invitae), Labcorp
Classification: Benign for Kabuki syndrome. Last evaluated: 2022-08-27. Review status: criteria provided, single submitter. Criteria: Invitae Variant Classification Sherloc (09022015). Collection method: clinical testing. Allele origin: germline.

NM_003482.4(KMT2D):c.13390C>G (p.Gln4464Glu)

Gene: KMT2D (lysine methyltransferase 2D; minus strand). Cytogenetic location: 12q13.12.
Variant type: single nucleotide variant.
Coding change: c.13390C>G on transcript NM_003482.4 (MANE Select); coding-DNA position 13390, C replaced by G.
Protein change: p.Gln4464Glu; replaces glutamine 4464 with glutamic acid.
Molecular consequence: missense variant.
Genome position (GRCh38, 1-based): chr12:49,031,315, G>C on the plus strand (C>G on the coding strand, the complement: KMT2D is on the minus strand). VCF-style: chr12-49031315-G-C. GRCh37 (hg19) VCF-style: chr12-49425098-G-C.
Other names: short protein forms Q4464E.
Identifiers: ClinVar variation 2027399 (VCV002027399.5), dbSNP rs1283072905, ClinGen allele CA384704673.